The following is an entry in ClinVar:

ClinVar aggregate classification (germline): Likely benign (1 of 4 stars; one submission).

Submission:

GeneDx
Classification: Likely benign. Last evaluated: 2022-08-31. Review status: criteria provided, single submitter. Criteria: GeneDx Variant Classification Process June 2021. Collection method: clinical testing. Allele origin: germline. Affected: yes.
Comment: See Variant Classification Assertion Criteria.

NM_019842.4(KCNQ5):c.1932C>A (p.Phe644Leu)

Gene: KCNQ5 (potassium voltage-gated channel subfamily Q member 5; plus strand). Cytogenetic location: 6q13.
Variant type: single nucleotide variant.
Coding change: c.1932C>A on transcript NM_019842.4 (MANE Select); coding-DNA position 1932, C replaced by A.
Protein change: p.Phe644Leu; replaces phenylalanine 644 with leucine.
Molecular consequence: missense variant.
Genome position (GRCh38, 1-based): chr6:73,194,547, C>A. VCF-style: chr6-73194547-C-A. GRCh37 (hg19) VCF-style: chr6-73904270-C-A.
Other names: c.1905C>A, p.Phe635Leu (NM_001160130.2); c.1962C>A, p.Phe654Leu (NM_001160132.2); c.1989C>A, p.Phe663Leu (NM_001160133.2); c.1602C>A, p.Phe534Leu (NM_001160134.2); short protein forms F534L, F635L, F644L, F654L, F663L.
Identifiers: ClinVar variation 1697193 (VCV001697193.3), dbSNP rs2150527596, ClinGen allele CA364694497.